The following is an entry in ClinVar:

ClinVar aggregate classification (germline): Uncertain significance (1 of 4 stars; one submission).

gnomAD v4.1: 1 of 1,614,058 alleles (0.000062%); highest among the groups gnomAD compares: Admixed American, 0.0017%; no homozygotes.

Submission:

Labcorp Genetics (formerly Invitae), Labcorp
Classification: Uncertain significance. Last evaluated: 2024-02-09. Review status: criteria provided, single submitter. Criteria: Invitae Variant Classification Sherloc (09022015). Collection method: clinical testing. Allele origin: germline.
Comment: This sequence change replaces lysine, which is basic and polar, with arginine, which is basic and polar, at codon 183 of the ZBTB20 protein (p.Lys183Arg). This variant is not present in population databases (gnomAD no frequency). This variant has not been reported in the literature in individuals affected with ZBTB20-related conditions. Advanced modeling of protein sequence and biophysical properties (such as structural, functional, and spatial information, amino acid conservation, physicochemical variation, residue mobility, and thermodynamic stability) has been performed at Invitae for this missense variant, however the output from this modeling did not meet the statistical confidence thresholds required to predict the impact of this variant on ZBTB20 protein function. In summary, the available evidence is currently insufficient to determine the role of this variant in disease. Therefore, it has been classified as a Variant of Uncertain Significance.

NM_001348800.3(ZBTB20):c.548A>G (p.Lys183Arg)

Gene: ZBTB20 (zinc finger and BTB domain containing 20; minus strand). Cytogenetic location: 3q13.31.
Variant type: single nucleotide variant.
Coding change: c.548A>G on transcript NM_001348800.3 (MANE Select); coding-DNA position 548, A replaced by G.
Protein change: p.Lys183Arg; replaces lysine 183 with arginine.
Molecular consequence: missense variant.
Genome position (GRCh38, 1-based): chr3:114,351,530, T>C on the plus strand (A>G on the coding strand, the complement: ZBTB20 is on the minus strand). VCF-style: chr3-114351530-T-C. GRCh37 (hg19) VCF-style: chr3-114070377-T-C.
Other names: c.329A>G, p.Lys110Arg (NM_001393395.1, NM_001393396.1, NM_015642.7 and 9 more transcripts); c.548A>G, p.Lys183Arg (NM_001348803.3, NM_001393393.1, NM_001393394.1 and 1 more transcripts); short protein forms K183R, K110R.
Identifiers: ClinVar variation 3633358 (VCV003633358.2).